The following is an entry in ClinVar:

NM_022051.2(EGLN1):c.-2369C>T

Gene: EGLN1 (egl-9 family hypoxia inducible factor 1; minus strand). Cytogenetic location: 1q42.2.
Variant type: single nucleotide variant.
Coding change: c.-2369C>T on transcript NM_022051.2; 2369 bases upstream of the start codon, C replaced by T.
Genome position (GRCh38, 1-based): chr1:231,424,257, G>A on the plus strand (C>T on the coding strand, the complement: EGLN1 is on the minus strand). VCF-style: chr1-231424257-G-A. GRCh37 (hg19) VCF-style: chr1-231560003-G-A.
Identifiers: ClinVar variation 296234 (VCV000296234.7), dbSNP rs149120358, ClinGen allele CA10609357.
Genomic context (GRCh38, chr1:231,424,257, plus strand): 5'-CTTTACTAGGAGGACTCATTCCACAAACACTTGATTCTTCCAACAATTTCTTTTAAATTT[G>A]CTATTTCAGTCTGTGGTGTGTCCACAAATTATTTACATCTCTATATGCTCTACTCATATA-3'

ClinVar aggregate classification (germline): Benign (1 of 4 stars; one submission).

Conditions:
Erythrocytosis, familial, 3 (ECYT3). Identifiers: Orphanet 247511, MedGen C1853286, MONDO:0012353, OMIM 609820.

Allele frequency attached by ClinVar (database versions not stated): gnomAD 0.00249 and 0.00268; TOPMed 0.00276; 1000 Genomes Project 30x 0.00187; 1000 Genomes Project 0.00160.

Submission:

Illumina Laboratory Services, Illumina
Classification: Benign for Erythrocytosis, familial, 3. Last evaluated: 2018-01-12. Review status: criteria provided, single submitter. Criteria: ICSL Variant Classification Criteria 13 December 2019. Collection method: clinical testing. Allele origin: germline.
Comment: This variant was observed in the ICSL laboratory as part of a predisposition screen in an ostensibly healthy population. It had not been previously curated by ICSL or reported in the Human Gene Mutation Database (HGMD: prior to June 1st, 2018), and was therefore a candidate for classification through an automated scoring system. Utilizing variant allele frequency, disease prevalence and penetrance estimates, and inheritance mode, an automated score was calculated to assess if this variant is too frequent to cause the disease. Based on the score and internal cut-off values, a variant classified as benign is not then subjected to further curation. The score for this variant resulted in a classification of benign for this disease.